The following is an entry in ClinVar:

ClinVar aggregate classification (germline): Conflicting classifications of pathogenicity. Review status: criteria provided, conflicting classifications (1 of 4 stars). 3 submissions from 3 submitters: Uncertain significance (1); Likely benign (2). Last evaluated 2026-10-16.

Conditions:
Nephronophthisis 16 (NPHP16). Identifiers: Orphanet 655, MedGen C3809320, MONDO:0014158, OMIM 615382.
ANKS6-related disorder. Also called: ANKS6-related condition.

Allele frequency attached by ClinVar (database versions not stated): gnomAD 0.00058 and 0.00056; ESP Exome Variant Server 0.00074; 1000 Genomes Project 0.00120; 1000 Genomes Project 30x 0.00125; gnomAD exomes 0.00016; ExAC 0.00025; TOPMed 0.00062.
gnomAD v4.1: 179 of 1,597,602 alleles (0.011%); highest among the groups gnomAD compares: African/African-American, 0.21%; no homozygotes.

Submissions (3):

GeneDx
Classification: Uncertain significance. Last evaluated: 2026-10-16. Review status: criteria provided, single submitter. Criteria: GeneDx Variant Classification Process June 2021. Collection method: clinical testing. Allele origin: germline.
Comment: In silico analysis supports that this missense variant has a deleterious effect on protein structure/function; Has not been previously published as pathogenic or benign to our knowledge

PreventionGenetics, part of Exact Sciences
Classification: Likely benign for ANKS6-related condition. Last evaluated: 2026-06-15. Review status: criteria provided, single submitter. Criteria: ACMG Guidelines, 2015. Collection method: clinical testing. Allele origin: germline.
Comment: This variant is classified as likely benign based on ACMG/AMP sequence variant interpretation guidelines (Richards et al. 2015 PMID: 25741868, with internal and published modifications).

Labcorp Genetics (formerly Invitae), Labcorp
Classification: Likely benign for Nephronophthisis 16. Last evaluated: 2025-06-12. Review status: criteria provided, single submitter. Criteria: Invitae Variant Classification Sherloc (09022015). Collection method: clinical testing. Allele origin: germline.

NM_173551.5(ANKS6):c.1772C>G (p.Pro591Arg)

Gene: ANKS6 (ankyrin repeat and sterile alpha motif domain containing 6; minus strand). Cytogenetic location: 9q22.33.
Variant type: single nucleotide variant.
Coding change: c.1772C>G on transcript NM_173551.5 (MANE Select); coding-DNA position 1772, C replaced by G.
Protein change: p.Pro591Arg; replaces proline 591 with arginine.
Molecular consequence: missense variant.
Genome position (GRCh38, 1-based): chr9:98,773,926, G>C on the plus strand (C>G on the coding strand, the complement: ANKS6 is on the minus strand). VCF-style: chr9-98773926-G-C. GRCh37 (hg19) VCF-style: chr9-101536208-G-C.
Other names: c.1772C>G (NM_173551.3); short protein forms P591R.
Identifiers: ClinVar variation 767247 (VCV000767247.14), dbSNP rs116621934, ClinGen allele CA5153370.
Genomic context (GRCh38, chr9:98,773,926, plus strand): 5'-AGACAACTTACAGTGTCTGTGCCCCCGCCGCCCACGGGGTGGCCCCTGCTGGCTCTCTGG[G>C]GCAGCGCAGTCTTCATGGGGTCTGCCTTCCCGTTGTGACGCGTCCGGGACCGATCAGAGC-3'
Protein context (NP_775822.3, residues 581-601): GKADPMKTAL[Pro591Arg]QRASRGHPVG